The following is an entry in ClinVar:

NM_004104.5(FASN):c.2939C>A (p.Thr980Lys)

Gene: FASN (fatty acid synthase; minus strand). Cytogenetic location: 17q25.3.
Variant type: single nucleotide variant.
Coding change: c.2939C>A on transcript NM_004104.5 (MANE Select); coding-DNA position 2939, C replaced by A.
Protein change: p.Thr980Lys; replaces threonine 980 with lysine.
Molecular consequence: missense variant.
Genome position (GRCh38, 1-based): chr17:82,087,789, G>T on the plus strand (C>A on the coding strand, the complement: FASN is on the minus strand). VCF-style: chr17-82087789-G-T. GRCh37 (hg19) VCF-style: chr17-80045665-G-T.
Other names: c.2939C>A (NM_004104.4); short protein forms T980K.
Identifiers: ClinVar variation 1427827 (VCV001427827.9), dbSNP rs777367345, ClinGen allele CA8852572.

ClinVar aggregate classification (germline): Uncertain significance. Review status: criteria provided, multiple submitters, no conflicts (2 of 4 stars). 2 submissions from 2 submitters: Uncertain significance (2). Last evaluated 2025-08-28.

Conditions:
Epileptic encephalopathy. Identifiers: MedGen C0543888, HP:0200134.

Submissions (2):

Ambry Genetics
Classification: Uncertain significance. Last evaluated: 2025-08-28. Review status: criteria provided, single submitter. Criteria: Ambry Variant Classification Scheme 2023. Collection method: clinical testing. Allele origin: germline.

Labcorp Genetics (formerly Invitae), Labcorp
Classification: Uncertain significance for Epileptic encephalopathy. Last evaluated: 2021-08-29. Review status: criteria provided, single submitter. Criteria: Invitae Variant Classification Sherloc (09022015). Collection method: clinical testing. Allele origin: germline.
Comment: In summary, the available evidence is currently insufficient to determine the role of this variant in disease. Therefore, it has been classified as a Variant of Uncertain Significance. Algorithms developed to predict the effect of sequence changes on RNA splicing suggest that this variant may create or strengthen a splice site, but this prediction has not been confirmed by published transcriptional studies. Algorithms developed to predict the effect of missense changes on protein structure and function (SIFT, PolyPhen-2, Align-GVGD) all suggest that this variant is likely to be tolerated, but these predictions have not been confirmed by published functional studies and their clinical significance is uncertain. This variant has not been reported in the literature in individuals with FASN-related conditions. This variant is present in population databases (rs777367345, ExAC 0.003%). This sequence change replaces threonine with lysine at codon 980 of the FASN protein (p.Thr980Lys). The threonine residue is weakly conserved and there is a moderate physicochemical difference between threonine and lysine.